The following is an entry in ClinVar:

NM_015045.5(WAPL):c.2730_2733del (p.Lys911fs)

Gene: WAPL (WAPL cohesin release factor; minus strand). Cytogenetic location: 10q23.2.
Variant type: Deletion.
Coding change: c.2730_2733del on transcript NM_015045.5 (MANE Select); coding-DNA positions 2730 to 2733, 4 bases deleted (TAAG; older notation c.2730_2733delTAAG).
Protein change: p.Lys911fs; shifts the reading frame from lysine 911.
Molecular consequence: frameshift variant.
Genome position (GRCh38, 1-based): chr10:86,453,756-86,453,759, CTTA deleted on the plus strand (TAAG on the coding strand, the reverse complement: WAPL is on the minus strand); deleting any 4 consecutive bases within chr10:86,453,756-86,453,761 gives the same sequence; the c. name uses the placement nearest the transcript's 3' end. VCF-style (leftmost placement, unchanged base first): chr10-86453755-GCTTA-G. GRCh37 (hg19) VCF-style: chr10-88213512-GCTTA-G.
Other names: c.2712_2715del, p.Lys905fs (NM_001318328.2); short protein forms K905fs, K911fs.
Identifiers: ClinVar variation 4976698 (VCV004976698.1).

ClinVar aggregate classification (germline): Uncertain significance (1 of 4 stars; one submission).

Submission:

GeneDx
Classification: Uncertain significance. Last evaluated: 2025-10-02. Review status: criteria provided, single submitter. Criteria: GeneDx Variant Classification Process June 2021. Collection method: clinical testing. Allele origin: germline.
Comment: Reported as a de novo variant in a proband with a neurodevelopmental disorder; however, this proband also harbors additional de novo variants and detailed clinical information was not provided (PMID: 33057194); Frameshift variant predicted to result in protein truncation or nonsense mediated decay in a gene or region of a gene for which loss of function is not a well-established mechanism of disease; Not observed at significant frequency in large population cohorts (gnomAD); Variants in candidate genes are classified as variants of uncertain significance in accordance with ACMG guidelines (PMID: 25741868); This variant is associated with the following publications: (PMID: 35982159, 33057194)